The following is an entry in ClinVar:

NM_003126.4(SPTA1):c.3570-12C>T

Gene: SPTA1 (spectrin alpha, erythrocytic 1; minus strand). Cytogenetic location: 1q23.1.
Variant type: single nucleotide variant.
Coding change: c.3570-12C>T on transcript NM_003126.4 (MANE Select); 12 bases into the intron before coding-DNA position 3570, C replaced by T.
Molecular consequence: intron variant.
Genome position (GRCh38, 1-based): chr1:158,648,665, G>A on the plus strand (C>T on the coding strand, the complement: SPTA1 is on the minus strand). VCF-style: chr1-158648665-G-A. GRCh37 (hg19) VCF-style: chr1-158618455-G-A.
Other names: p.?.
Identifiers: ClinVar variation 258930 (VCV000258930.67), dbSNP rs2246434, ClinGen allele CA1183002.

ClinVar aggregate classification (germline): Benign/Likely benign. Review status: criteria provided, multiple submitters, no conflicts (2 of 4 stars). 11 submissions from 9 submitters: Benign (8); Likely benign (1). 2 of the submissions do not count toward it. Last evaluated 2026-02-03.

Conditions:
Hereditary spherocytosis type 3. Also called: Spherocytosis type 3; SPTA1-Related Spherocytosis. Identifiers: Orphanet 822, MedGen C2678338, MONDO:0010053, OMIM 270970.
Elliptocytosis 2 (EL2). Also called: ELLIPTOCYTOSIS, RHESUS-UNLINKED TYPE. Identifiers: Orphanet 288, MedGen C1851741, MONDO:0007533, OMIM 130600.
Pyropoikilocytosis, hereditary. Also called: Pyropoikilocytosis. Identifiers: MedGen C0520739, MONDO:0009948, OMIM 266140, HP:0004839. Disease mechanism: loss of function.

Allele frequency attached by ClinVar (database versions not stated): ESP Exome Variant Server 0.20333; TOPMed 0.22214; gnomAD 0.22246 and 0.22399; 1000 Genomes Project 30x 0.22502; 1000 Genomes Project 0.22823; gnomAD exomes 0.24886 and 0.25979; ExAC 0.25339.
gnomAD v4.1: 397,986 of 1,612,600 alleles (25%); highest among the groups gnomAD compares: East Asian, 37%; 51,402 homozygotes.

Submissions (11):

Labcorp Genetics (formerly Invitae), Labcorp
Classification: Benign. Last evaluated: 2026-02-03. Review status: criteria provided, single submitter. Criteria: Invitae Variant Classification Sherloc (09022015). Collection method: clinical testing. Allele origin: germline.

ARUP Laboratories, Molecular Genetics and Genomics, ARUP Laboratories
Classification: Benign. Last evaluated: 2025-07-28. Review status: criteria provided, single submitter. Criteria: ARUP Molecular Germline Variant Investigation Process 2024. Collection method: clinical testing. Allele origin: germline.

Blueprint Genetics
Classification: Likely benign. Last evaluated: 2024-11-26. Review status: criteria provided, single submitter. Criteria: ACMG Guidelines, 2015. Collection method: clinical testing. Allele origin: germline.

Illumina Laboratory Services, Illumina
Classification: Benign for Elliptocytosis 2. Last evaluated: 2018-01-13. Review status: criteria provided, single submitter. Criteria: ICSL Variant Classification Criteria 13 December 2019. Collection method: clinical testing. Allele origin: germline.
Comment: This variant was observed in the ICSL laboratory as part of a predisposition screen in an ostensibly healthy population. It had not been previously curated by ICSL or reported in the Human Gene Mutation Database (HGMD: prior to June 1st, 2018), and was therefore a candidate for classification through an automated scoring system. Utilizing variant allele frequency, disease prevalence and penetrance estimates, and inheritance mode, an automated score was calculated to assess if this variant is too frequent to cause the disease. Based on the score and internal cut-off values, a variant classified as benign is not then subjected to further curation. The score for this variant resulted in a classification of benign for this disease.

Illumina Laboratory Services, Illumina
Classification: Benign for Pyropoikilocytosis, hereditary. Last evaluated: 2018-01-13. Review status: criteria provided, single submitter. Criteria: ICSL Variant Classification Criteria 13 December 2019. Collection method: clinical testing. Allele origin: germline.
Comment: the same text as in the submission from Illumina Laboratory Services, Illumina above.

Illumina Laboratory Services, Illumina
Classification: Benign for Hereditary spherocytosis type 3. Last evaluated: 2018-01-13. Review status: criteria provided, single submitter. Criteria: ICSL Variant Classification Criteria 13 December 2019. Collection method: clinical testing. Allele origin: germline.
Comment: the same text as in the submission from Illumina Laboratory Services, Illumina above.

Mayo Clinic Laboratories, Mayo Clinic
Classification: Benign. Last evaluated: 2016-04-16. Review status: criteria provided, single submitter. Criteria: ACMG Guidelines, 2015. Collection method: clinical testing. Allele origin: germline. Observed: 868 variant alleles.

Breakthrough Genomics
Classification: Benign. Review status: criteria provided, single submitter. Criteria: ACMG Guidelines, 2015. Collection method: not provided. Allele origin: germline. Inheritance: Autosomal recessive inheritance. Affected: yes.

PreventionGenetics, part of Exact Sciences
Classification: Benign. Review status: criteria provided, single submitter. Criteria: ACMG Guidelines, 2015. Collection method: clinical testing. Allele origin: germline.

Diagnostic Laboratory, Department of Genetics, University Medical Center Groningen
Classification: Benign. Review status: no assertion criteria provided. Collection method: clinical testing. Allele origin: germline. Affected: yes. Study: VKGL Data-share Consensus. Not counted in ClinVar's aggregate classification.

Genome Diagnostics Laboratory, University Medical Center Utrecht
Classification: Benign. Review status: no assertion criteria provided. Collection method: clinical testing. Allele origin: germline. Affected: yes. Study: VKGL Data-share Consensus. Not counted in ClinVar's aggregate classification.